The following is an entry in ClinVar:

ClinVar aggregate classification (germline): Likely benign (0 of 4 stars; one submission).

Conditions:
SDK2-related disorder. Also called: SDK2-related condition.

Allele frequency attached by ClinVar (database versions not stated): ExAC 0.00023; gnomAD 0.00038; TOPMed 0.00047; 1000 Genomes Project 30x 0.00172; 1000 Genomes Project 0.00180.
gnomAD v4.1: 260 of 1,551,588 alleles (0.017%); highest among the groups gnomAD compares: East Asian, 0.58%; 1 homozygote.

Submission:

PreventionGenetics, part of Exact Sciences
Classification: Likely benign for SDK2-related condition. Last evaluated: 2019-10-22. Review status: no assertion criteria provided. Collection method: clinical testing. Allele origin: germline.
Comment: This variant is classified as likely benign based on ACMG/AMP sequence variant interpretation guidelines (Richards et al. 2015 PMID: 25741868, with internal and published modifications).

NM_001144952.2(SDK2):c.480-9T>C

Gene: SDK2 (sidekick cell adhesion molecule 2; minus strand). Cytogenetic location: 17q25.1.
Variant type: single nucleotide variant.
Coding change: c.480-9T>C on transcript NM_001144952.2 (MANE Select); 9 bases into the intron before coding-DNA position 480, T replaced by C.
Molecular consequence: intron variant.
Genome position (GRCh38, 1-based): chr17:73,447,757, A>G on the plus strand (T>C on the coding strand, the complement: SDK2 is on the minus strand). VCF-style: chr17-73447757-A-G. GRCh37 (hg19) VCF-style: chr17-71443896-A-G.
Identifiers: ClinVar variation 3045508 (VCV003045508.2), dbSNP rs146800026, ClinGen allele CA8744090.